The following is an entry in ClinVar:

ClinVar aggregate classification (germline): Uncertain significance (0 of 4 stars; one submission).

Conditions:
Fanconi anemia complementation group B (FANCB). Also called: FANCB-Related Fanconi Anemia; FANCONI PANCYTOPENIA, TYPE 2. Identifiers: Orphanet 84, MedGen C1845292, MONDO:0010351, OMIM 300514.

Submission:

Leiden Open Variation Database
Classification: Uncertain significance for Fanconi anemia complementation group B. Last evaluated: 2020-02-28. Review status: no assertion criteria provided. Collection method: curation. Allele origin: germline. Affected: yes.
Comment: Curator: Arleen D. Auerbach. Submitter to LOVD: Arleen D. Auerbach.

Literature cited by the submitters: PubMed 23613520.

NM_001018113.3(FANCB):c.2059G>T (p.Glu687Ter)

Gene: FANCB (FA complementation group B; minus strand). Cytogenetic location: Xp22.2.
Variant type: single nucleotide variant.
Coding change: c.2059G>T on transcript NM_001018113.3 (MANE Select); coding-DNA position 2059, G replaced by T.
Protein change: p.Glu687Ter; replaces glutamic acid 687 with a stop codon.
Molecular consequence: nonsense.
Genome position (GRCh38, 1-based): chrX:14,844,609, C>A on the plus strand (G>T on the coding strand, the complement: FANCB is on the minus strand). VCF-style: chrX-14844609-C-A. GRCh37 (hg19) VCF-style: chrX-14862731-C-A.
Other names: c.2059G>T, p.Glu687Ter (NM_001324162.2, NM_152633.4); short protein forms E687*.
Identifiers: ClinVar variation 691310 (VCV000691310.2), dbSNP rs1601977510, ClinGen allele CA412438569.
Genomic context (GRCh38, chrX:14,844,609, plus strand): 5'-AAGTGAAGAGTGTCCCATAGAAACTTCCCGGTCTTTCACAAAAGTACACTTCTGGAAATT[C>A]TTTGATTATTTCACATTTCATATGTTCTAAGAGCCACACCTTCATTGAATTCAGGGCATA-3'